The following is an entry in ClinVar:

ClinVar aggregate classification (germline): Likely benign (0 of 4 stars; one submission).

Conditions:
PCSK1-related disorder. Also called: PCSK1-related condition.

gnomAD v4.1: 4 of 1,614,136 alleles (0.00025%); highest among the groups gnomAD compares: Admixed American, 0.0067%; no homozygotes.

Submission:

PreventionGenetics, part of Exact Sciences
Classification: Likely benign for PCSK1-related condition. Last evaluated: 2021-04-27. Review status: no assertion criteria provided. Collection method: clinical testing. Allele origin: germline.
Comment: This variant is classified as likely benign based on ACMG/AMP sequence variant interpretation guidelines (Richards et al. 2015 PMID: 25741868, with internal and published modifications).

NM_000439.5(PCSK1):c.2121G>C (p.Leu707=)

Genes: CAST (calpastatin; plus strand), PCSK1 (proprotein convertase subtilisin/kexin type 1; minus strand), LOC101929710 (uncharacterized LOC101929710; plus strand). Cytogenetic location: 5q15.
Variant type: single nucleotide variant.
Coding change: c.2121G>C on transcript NM_000439.5 (MANE Select); coding-DNA position 2121, G replaced by C.
Protein change: p.Leu707=; no amino-acid change (leucine 707 retained).
Molecular consequence: synonymous variant. On other transcripts: intron variant (11).
Genome position (GRCh38, 1-based): chr5:96,393,142, C>G on the plus strand (G>C on the coding strand, the complement: PCSK1 is on the minus strand). VCF-style: chr5-96393142-C-G. GRCh37 (hg19) VCF-style: chr5-95728846-C-G.
Other names: c.-175+13490C>G (NM_001423252.1, NM_001423257.1, NM_001423260.1 and 6 more transcripts); c.1980G>C, p.Leu660= (NM_001177875.2); c.-103+13490C>G (NM_001423253.1); c.-40+13490C>G (NM_001423258.1).
Identifiers: ClinVar variation 3357945 (VCV003357945.1).